The following is an entry in ClinVar:

ClinVar aggregate classification (germline): Pathogenic. Review status: criteria provided, multiple submitters, no conflicts (2 of 4 stars). 2 submissions from 2 submitters: Pathogenic (2). Last evaluated 2024-06-30.

Conditions:
Upshaw-Schulman syndrome (TTP). Also called: THROMBOTIC THROMBOCYTOPENIC PURPURA, HEREDITARY; Congenital thrombotic thrombocytopenic purpura. Identifiers: Orphanet 93583, MedGen C1268935, MONDO:0010122, OMIM 274150.

Allele frequency attached by ClinVar (database versions not stated): ExAC 0.00001; gnomAD exomes 0.00001; TOPMed 0.00001.

Submissions (2):

Labcorp Genetics (formerly Invitae), Labcorp
Classification: Pathogenic. Last evaluated: 2024-06-30. Review status: criteria provided, single submitter. Criteria: Invitae Variant Classification Sherloc (09022015). Collection method: clinical testing. Allele origin: germline.
Comment: This sequence change creates a premature translational stop signal (p.Cys1067Serfs*30) in the ADAMTS13 gene. It is expected to result in an absent or disrupted protein product. Loss-of-function variants in ADAMTS13 are known to be pathogenic (PMID: 11586351, 12753286, 21781265). This variant is present in population databases (rs782288601, gnomAD 0.004%). This premature translational stop signal has been observed in individual(s) with thrombotic thrombocytopenic purpura (PMID: 21781265, 30792199). ClinVar contains an entry for this variant (Variation ID: 2136834). For these reasons, this variant has been classified as Pathogenic.

Fulgent Genetics
Classification: Pathogenic for Upshaw-Schulman syndrome. Last evaluated: 2024-05-18. Review status: criteria provided, single submitter. Criteria: ACMG Guidelines, 2015. Collection method: clinical testing. Allele origin: germline.

Literature cited by the submitters: PubMed 11586351 (cited by Labcorp Genetics (formerly Invitae), Labcorp); PubMed 12753286 (cited by Labcorp Genetics (formerly Invitae), Labcorp); PubMed 21781265 (cited by Labcorp Genetics (formerly Invitae), Labcorp); PubMed 30792199 (cited by Labcorp Genetics (formerly Invitae), Labcorp).

NM_139027.6(ADAMTS13):c.3198_3199del (p.Cys1067fs)

Gene: ADAMTS13 (ADAM metallopeptidase with thrombospondin type 1 motif 13; plus strand). Cytogenetic location: 9q34.2.
Variant type: Deletion.
Coding change: c.3198_3199del on transcript NM_139027.6 (MANE Select); coding-DNA positions 3198 to 3199, 2 bases deleted (CT; older notation c.3198_3199delCT).
Protein change: p.Cys1067fs; shifts the reading frame from cysteine 1067.
Molecular consequence: frameshift variant. On other transcripts: non-coding transcript variant (1).
Genome position (GRCh38, 1-based): chr9:133,454,568-133,454,569, CT deleted. VCF-style (leftmost placement, unchanged base first): chr9-133454567-CCT-C. GRCh37 (hg19) VCF-style: chr9-136319689-CCT-C.
Other names: c.3198_3199delCT, p.Cys1067Serfs (NM_139025.4); c.3198_3199del, p.Cys1067fs (NM_139025.5); c.3105_3106del, p.Cys1036fs (NM_139026.6); c.3198_3199del (NM_139025.4); short protein forms C1036fs, C1067fs.
Identifiers: ClinVar variation 2136834 (VCV002136834.5), dbSNP rs782288601, ClinGen allele CA200943245.